The following is an entry in ClinVar:

NM_018489.3(ASH1L):c.6347A>G (p.Glu2116Gly)

Gene: ASH1L (ASH1 like histone lysine methyltransferase; minus strand). Cytogenetic location: 1q22.
Variant type: single nucleotide variant.
Coding change: c.6347A>G on transcript NM_018489.3 (MANE Select); coding-DNA position 6347, A replaced by G.
Protein change: p.Glu2116Gly; replaces glutamic acid 2116 with glycine.
Molecular consequence: missense variant.
Genome position (GRCh38, 1-based): chr1:155,370,969, T>C on the plus strand (A>G on the coding strand, the complement: ASH1L is on the minus strand). VCF-style: chr1-155370969-T-C. GRCh37 (hg19) VCF-style: chr1-155340760-T-C.
Other names: c.6362A>G, p.Glu2121Gly (NM_001366177.2); short protein forms E2116G, E2121G.
Identifiers: ClinVar variation 4074679 (VCV004074679.2).

ClinVar aggregate classification (germline): Uncertain significance (1 of 4 stars; one submission).

Submission:

GeneDx
Classification: Uncertain significance. Last evaluated: 2026-08-19. Review status: criteria provided, single submitter. Criteria: GeneDx Variant Classification Process June 2021. Collection method: clinical testing. Allele origin: germline.
Comment: Not observed at significant frequency in large population cohorts (gnomAD); In silico analysis supports that this missense variant has a deleterious effect on protein structure/function; Has not been previously published as pathogenic or benign to our knowledge